The following is an entry in ClinVar:

NM_014391.3(ANKRD1):c.211A>G (p.Lys71Glu)

Gene: ANKRD1 (ankyrin repeat domain 1; minus strand). Cytogenetic location: 10q23.31.
Variant type: single nucleotide variant.
Coding change: c.211A>G on transcript NM_014391.3 (MANE Select); coding-DNA position 211, A replaced by G.
Protein change: p.Lys71Glu; replaces lysine 71 with glutamic acid.
Molecular consequence: missense variant.
Genome position (GRCh38, 1-based): chr10:90,919,265, T>C on the plus strand (A>G on the coding strand, the complement: ANKRD1 is on the minus strand). VCF-style: chr10-90919265-T-C. GRCh37 (hg19) VCF-style: chr10-92679022-T-C.
Other names: short protein forms K71E.
Identifiers: ClinVar variation 4100045 (VCV004100045.1).

ClinVar aggregate classification (germline): Uncertain significance (1 of 4 stars; one submission).

Conditions:
Cardiovascular phenotype. Identifiers: MedGen CN230736.

Submission:

Ambry Genetics
Classification: Uncertain significance for Cardiovascular phenotype. Last evaluated: 2025-06-28. Review status: criteria provided, single submitter. Criteria: Ambry Variant Classification Scheme 2023. Collection method: clinical testing. Allele origin: germline.
Comment: The p.K71E variant (also known as c.211A>G), located in coding exon 3 of the ANKRD1 gene, results from an A to G substitution at nucleotide position 211. The lysine at codon 71 is replaced by glutamic acid, an amino acid with similar properties. This amino acid position is conserved. In addition, this alteration is predicted to be tolerated by in silico analysis. Based on the available evidence, the clinical significance of this variant remains unclear.